The following is an entry in ClinVar:

ClinVar aggregate classification (germline): Pathogenic/Likely pathogenic. Review status: criteria provided, multiple submitters, no conflicts (2 of 4 stars). 4 submissions from 4 submitters: Pathogenic (2); Likely pathogenic (1). 1 of the submissions does not count toward it. Last evaluated 2022-11-27.

Conditions:
Deficiency of alpha-mannosidase (MANSA). Also called: LYSOSOMAL ALPHA-D-MANNOSIDASE DEFICIENCY; Mannosidosis, alpha-, types I and II; Alpha-Mannosidosis. Identifiers: Orphanet 61, MedGen C0024748, MONDO:0009561, OMIM 248500.
Intellectual disability. Also called: intellectual disabilities; Intellectual functioning disability; Intellectual developmental disorder. Identifiers: MedGen C3714756, MeSH D008607, MONDO:0001071, HP:0001249.

Submissions (4):

Baylor Genetics
Classification: Likely pathogenic for Deficiency of alpha-mannosidase. Last evaluated: 2022-11-27. Review status: criteria provided, single submitter. Criteria: ACMG Guidelines, 2015. Collection method: clinical testing. Allele origin: unknown.

Genome-Nilou Lab
Classification: Pathogenic for Deficiency of alpha-mannosidase. Last evaluated: 2021-09-05. Review status: criteria provided, single submitter. Criteria: ACMG Guidelines, 2015. Collection method: clinical testing. Allele origin: germline. Affected: no.

Cytogénomique, Hospices Civils de Lyon
Classification: Pathogenic for Intellectual disability. Last evaluated: 2021-04-19. Review status: criteria provided, single submitter. Criteria: ACMG Guidelines, 2015. Collection method: clinical testing. Allele origin: maternal. Inheritance: Autosomal recessive inheritance. Affected: yes. Observed: 1 variant allele, 1 compound heterozygote.
Comment: Deletion causing a premature stop codon. In trans with another pathogenic variant. Previously described likely pathogenic in CLinVar, absent from gnomAD

Counsyl
Classification: Likely pathogenic for Deficiency of alpha-mannosidase. Last evaluated: 2016-11-01. Review status: no assertion criteria provided. Collection method: clinical testing. Allele origin: unknown. Not counted in ClinVar's aggregate classification.

NM_000528.4(MAN2B1):c.1280_1296del (p.Pro427fs)

Gene: MAN2B1 (mannosidase alpha class 2B member 1; minus strand). Cytogenetic location: 19p13.13.
Variant type: Deletion.
Coding change: c.1280_1296del on transcript NM_000528.4 (MANE Select); coding-DNA positions 1280 to 1296, 17 bases deleted (CCTATGGCTCCGGAGAC).
Protein change: p.Pro427fs; shifts the reading frame from proline 427.
Molecular consequence: frameshift variant.
Genome position (GRCh38, 1-based): chr19:12,658,076-12,658,092, GTCTCCGGAGCCATAGG deleted on the plus strand (CCTATGGCTCCGGAGAC on the coding strand, the reverse complement: MAN2B1 is on the minus strand); deleting any 17 consecutive bases within chr19:12,658,076-12,658,095 gives the same sequence; the c. name uses the placement nearest the transcript's 3' end. VCF-style (leftmost placement, unchanged base first): chr19-12658075-TGTCTCCGGAGCCATAGG-T. GRCh37 (hg19) VCF-style: chr19-12768889-TGTCTCCGGAGCCATAGG-T.
Other names: c.1277_1293del, p.Pro426fs (NM_001173498.2); short protein forms P426fs, P427fs.
Identifiers: ClinVar variation 371610 (VCV000371610.7), dbSNP rs1057517408, ClinGen allele CA16041953.
Genomic context (GRCh38, chr19:12,658,075, plus strand): 5'-TTCCAACTTCAGCCGCAAACCTCTTCCCCTCTTGGGCCCGACACTTACTGAGGGGTGCAC[TGTCTCCGGAGCCATAGG>T]GTCCCACGTTGGCCGCCAGGCCCACCAGCGCCTCCAGCTGGTTGCACACCTGGAGGCAGA-3'